The following is an entry in ClinVar:

ClinVar aggregate classification (germline): Likely benign (1 of 4 stars; one submission).

Conditions:
Leigh syndrome (NULS). Also called: Leigh's necrotizing encephalopathy; Leigh's disease; Leigh Syndrome (mtDNA deletion); Leigh Disease; Subacute necrotizing encephalopathy; Necrotizing encephalopathy infantile subacute of Leigh. Identifiers: Orphanet 506, MedGen C2931891, MONDO:0009723, OMIM 256000.

Submission:

Wong Mito Lab, Molecular and Human Genetics, Baylor College of Medicine
Classification: Likely benign for Leigh syndrome. Last evaluated: 2019-10-17. Review status: criteria provided, single submitter. Criteria: Modified ACMG Guidelines (Unpublished). Collection method: clinical testing. Allele origin: germline.
Comment: The NC_012920.1:m.12451A>G (YP_003024036.1:p.Ile39Val) variant in MTND5 gene is interpretated to be a Likely Benign variant based on the modified ACMG guidelines (unpublished). This variant meets the following evidence codes: BS1, BP4, BP5

NC_012920.1(MT-ND5):m.12451A>G

Gene: MT-ND5 (mitochondrially encoded NADH dehydrogenase 5; plus strand).
Variant type: single nucleotide variant.
Genome position: chrM-12451-A-G.
Identifiers: ClinVar variation 693446 (VCV000693446.1), dbSNP rs1603223750, ClinGen allele CA414813218.